The following is an entry in ClinVar:

NM_012301.4(MAGI2):c.1158G>A (p.Lys386=)

Gene: MAGI2 (membrane associated guanylate kinase, WW and PDZ domain containing 2; minus strand). Cytogenetic location: 7q21.11.
Variant type: single nucleotide variant.
Coding change: c.1158G>A on transcript NM_012301.4 (MANE Select); coding-DNA position 1158, G replaced by A.
Protein change: p.Lys386=; no amino-acid change (lysine 386 retained).
Molecular consequence: synonymous variant.
Genome position (GRCh38, 1-based): chr7:78,345,989, C>T on the plus strand (G>A on the coding strand, the complement: MAGI2 is on the minus strand). VCF-style: chr7-78345989-C-T. GRCh37 (hg19) VCF-style: chr7-77975306-C-T.
Other names: c.1158G>A (NM_012301.3); c.1158G>A, p.Lys386= (NM_001301128.2).
Identifiers: ClinVar variation 2155167 (VCV002155167.7), dbSNP rs192861558, ClinGen allele CA4314070.

ClinVar aggregate classification (germline): Likely benign. Review status: criteria provided, multiple submitters, no conflicts (2 of 4 stars). 3 submissions from 3 submitters: Likely benign (2). 1 of the submissions does not count toward it. Last evaluated 2022-06-04.

Conditions:
MAGI2-related disorder. Also called: MAGI2-related condition.

Allele frequency attached by ClinVar (database versions not stated): gnomAD 0.00003; TOPMed 0.00003; ExAC 0.00004; gnomAD exomes 0.00006; ESP Exome Variant Server 0.00008; 1000 Genomes Project 30x 0.00016; 1000 Genomes Project 0.00020.
gnomAD v4.1: 92 of 1,614,198 alleles (0.0057%); highest among the groups gnomAD compares: Non-Finnish European, 0.0075%; no homozygotes.

Submissions (3):

Labcorp Genetics (formerly Invitae), Labcorp
Classification: Likely benign. Last evaluated: 2022-06-04. Review status: criteria provided, single submitter. Criteria: Invitae Variant Classification Sherloc (09022015). Collection method: clinical testing. Allele origin: germline.

Blueprint Genetics
Classification: Likely benign. Last evaluated: 2019-12-19. Review status: criteria provided, single submitter. Criteria: ACMG Guidelines, 2015. Collection method: clinical testing. Allele origin: germline.

PreventionGenetics, part of Exact Sciences
Classification: Likely benign for MAGI2-related condition. Last evaluated: 2019-06-07. Review status: no assertion criteria provided. Collection method: clinical testing. Allele origin: germline. Not counted in ClinVar's aggregate classification.
Comment: This variant is classified as likely benign based on ACMG/AMP sequence variant interpretation guidelines (Richards et al. 2015 PMID: 25741868, with internal and published modifications).